The following is an entry in ClinVar:

NM_172362.3(KCNH1):c.161G>T (p.Gly54Val)

Gene: KCNH1 (potassium voltage-gated channel subfamily H member 1; minus strand). Cytogenetic location: 1q32.2.
Variant type: single nucleotide variant.
Coding change: c.161G>T on transcript NM_172362.3 (MANE Select); coding-DNA position 161, G replaced by T.
Protein change: p.Gly54Val; replaces glycine 54 with valine.
Molecular consequence: missense variant.
Genome position (GRCh38, 1-based): chr1:211,107,296, C>A on the plus strand (G>T on the coding strand, the complement: KCNH1 is on the minus strand). VCF-style: chr1-211107296-C-A. GRCh37 (hg19) VCF-style: chr1-211280638-C-A.
Other names: c.161G>T, p.Gly54Val (NM_002238.4); short protein forms G54V.
Identifiers: ClinVar variation 1713588 (VCV001713588.5), dbSNP rs2102486153, ClinGen allele CA344874729.

ClinVar aggregate classification (germline): Uncertain significance (1 of 4 stars; one submission).

Submission:

Labcorp Genetics (formerly Invitae), Labcorp
Classification: Uncertain significance. Last evaluated: 2023-08-17. Review status: criteria provided, single submitter. Criteria: Invitae Variant Classification Sherloc (09022015). Collection method: clinical testing. Allele origin: germline.
Comment: In summary, the available evidence is currently insufficient to determine the role of this variant in disease. Therefore, it has been classified as a Variant of Uncertain Significance. Advanced modeling of protein sequence and biophysical properties (such as structural, functional, and spatial information, amino acid conservation, physicochemical variation, residue mobility, and thermodynamic stability) performed at Invitae indicates that this missense variant is expected to disrupt KCNH1 protein function. ClinVar contains an entry for this variant (Variation ID: 1713588). This variant has not been reported in the literature in individuals affected with KCNH1-related conditions. This variant is not present in population databases (gnomAD no frequency). This sequence change replaces glycine, which is neutral and non-polar, with valine, which is neutral and non-polar, at codon 54 of the KCNH1 protein (p.Gly54Val).